The following is an entry in ClinVar:

NM_002541.4(OGDH):c.357C>T (p.Asn119=)

Gene: OGDH (oxoglutarate dehydrogenase; plus strand). Cytogenetic location: 7p13.
Variant type: single nucleotide variant.
Coding change: c.357C>T on transcript NM_002541.4 (MANE Select); coding-DNA position 357, C replaced by T.
Protein change: p.Asn119=; no amino-acid change (asparagine 119 retained).
Molecular consequence: synonymous variant.
Genome position (GRCh38, 1-based): chr7:44,645,461, C>T. VCF-style: chr7-44645461-C-T. GRCh37 (hg19) VCF-style: chr7-44685060-C-T.
Other names: c.357C>T, p.Asn119= (NM_001003941.3, NM_001165036.2, NM_001363523.2); c.357C>T (NM_001363523.1).
Identifiers: ClinVar variation 721829 (VCV000721829.12), dbSNP rs116191385, ClinGen allele CA4243521.

ClinVar aggregate classification (germline): Benign/Likely benign. Review status: criteria provided, multiple submitters, no conflicts (2 of 4 stars). 2 submissions from 2 submitters: Benign (1); Likely benign (1). Last evaluated 2025-10-02.

Conditions:
OGDH-related disorder. Also called: OGDH-related condition.
Oxoglutaricaciduria. Identifiers: Orphanet 31, MedGen C2752074, MONDO:0008759, OMIM 203740.

Allele frequency attached by ClinVar (database versions not stated): gnomAD 0.00117 and 0.00124; TOPMed 0.00136; 1000 Genomes Project 0.00180; 1000 Genomes Project 30x 0.00234; gnomAD exomes 0.00012 and 0.00035; ExAC 0.00038; ESP Exome Variant Server 0.00108.
gnomAD v4.1: 357 of 1,614,170 alleles (0.022%); highest among the groups gnomAD compares: African/African-American, 0.38%; 1 homozygote.

Submissions (2):

Labcorp Genetics (formerly Invitae), Labcorp
Classification: Benign for Oxoglutaricaciduria. Last evaluated: 2025-10-02. Review status: criteria provided, single submitter. Criteria: Invitae Variant Classification Sherloc (09022015). Collection method: clinical testing. Allele origin: germline.

PreventionGenetics, part of Exact Sciences
Classification: Likely benign for OGDH-related condition. Last evaluated: 2024-12-02. Review status: criteria provided, single submitter. Criteria: ACMG Guidelines, 2015. Collection method: clinical testing. Allele origin: germline.
Comment: This variant is classified as likely benign based on ACMG/AMP sequence variant interpretation guidelines (Richards et al. 2015 PMID: 25741868, with internal and published modifications).